The following is an entry in ClinVar:

NM_001042750.2(STAG2):c.3244C>T (p.Arg1082Trp)

Gene: STAG2 (STAG2 cohesin complex component; plus strand). Cytogenetic location: Xq25.
Variant type: single nucleotide variant.
Coding change: c.3244C>T on transcript NM_001042750.2 (MANE Select); coding-DNA position 3244, C replaced by T.
Protein change: p.Arg1082Trp; replaces arginine 1082 with tryptophan.
Molecular consequence: missense variant.
Genome position (GRCh38, 1-based): chrX:124,086,737, C>T. VCF-style: chrX-124086737-C-T. GRCh37 (hg19) VCF-style: chrX-123220587-C-T.
Other names: c.3244C>T, p.Arg1082Trp (NM_001042749.2, NM_001042751.2, NM_001282418.2 and 13 more transcripts); short protein forms R1082W.
Identifiers: ClinVar variation 2814924 (VCV002814924.3), dbSNP rs1443844104, ClinGen allele CA414281132.
Genomic context (GRCh38, chrX:124,086,737, plus strand): 5'-GGAATCAGCAGCCGGGGGTCAACAGTACGGAGTAAAAAATCAAAACCATCTACAGGAAAA[C>T]GGAAAGTGGTTGAGGGCATGCAGCTTTCACTCAGTAAGGATATAATTTATTCTCTTTATA-3'
Protein context (NP_001036215.1, residues 1072-1092): SKKSKPSTGK[Arg1082Trp]KVVEGMQLSL

ClinVar aggregate classification (germline): Uncertain significance (1 of 4 stars; one submission).

Allele frequency attached by ClinVar (database versions not stated): gnomAD exomes below 0.00001; gnomAD 0.00001.
gnomAD v4.1: 2 of 1,206,044 alleles (0.00017%); highest among the groups gnomAD compares: Non-Finnish European, 0.00011%; no homozygotes.

Submission:

Labcorp Genetics (formerly Invitae), Labcorp
Classification: Uncertain significance. Last evaluated: 2023-02-21. Review status: criteria provided, single submitter. Criteria: Invitae Variant Classification Sherloc (09022015). Collection method: clinical testing. Allele origin: germline.
Comment: This variant is present in population databases (no rsID available, gnomAD 0.009%). In summary, the available evidence is currently insufficient to determine the role of this variant in disease. Therefore, it has been classified as a Variant of Uncertain Significance. An algorithm developed to predict the effect of missense changes on protein structure and function (PolyPhen-2) suggests that this variant is likely to be disruptive. This variant has not been reported in the literature in individuals affected with STAG2-related conditions. This sequence change replaces arginine, which is basic and polar, with tryptophan, which is neutral and slightly polar, at codon 1082 of the STAG2 protein (p.Arg1082Trp).